The following is an entry in ClinVar:

ClinVar aggregate classification (germline): Uncertain significance (1 of 4 stars; one submission).

Allele frequency attached by ClinVar (database versions not stated): gnomAD exomes below 0.00001.
gnomAD v4.1: 1 of 1,614,196 alleles (0.000062%); highest among the groups gnomAD compares: Non-Finnish European, 0.000085%; no homozygotes.

Submission:

GeneDx
Classification: Uncertain significance. Last evaluated: 2018-01-08. Review status: criteria provided, single submitter. Criteria: GeneDx Variant Classification (06012015). Collection method: clinical testing. Allele origin: germline. Affected: yes.
Comment: The D1521N variant has not beenpublished as pathogenic or been reported as benign to our knowledge. Furthermore, it is not observed in largepopulation cohorts (Lek et al., 2016). The D1521N variant is a semi-conservative amino acid substitution, whichmay impact secondary protein structure as these residues differ in some properties. In-silico analyses, includingprotein predictors and evolutionary conservation, support a deleterious effect. Nonetheless, additional evidence isneeded to clarify pathogenicity, including observation in a significant number of affected individuals, segregation data,and functional evidence.

NM_002474.3(MYH11):c.4561G>A (p.Asp1521Asn)

Genes: MYH11 (myosin heavy chain 11; minus strand), NDE1 (nudE neurodevelopment protein 1; plus strand). Cytogenetic location: 16p13.11.
Variant type: single nucleotide variant.
Coding change: c.4561G>A on transcript NM_002474.3 (MANE Select); coding-DNA position 4561, G replaced by A.
Protein change: p.Asp1521Asn; replaces aspartic acid 1521 with asparagine.
Molecular consequence: missense variant. On other transcripts: intron variant (2).
Genome position (GRCh38, 1-based): chr16:15,721,439, C>T on the plus strand (G>A on the coding strand, the complement: MYH11 is on the minus strand). VCF-style: chr16-15721439-C-T. GRCh37 (hg19) VCF-style: chr16-15815296-C-T.
Other names: p.D1521N:GAT>AAT; c.4582G>A, p.Asp1528Asn (NM_001040113.2, NM_001040114.2); c.4561G>A, p.Asp1521Asn (NM_022844.3); c.948-2752C>T (NM_001143979.2, NM_017668.3); short protein forms D1521N, D1528N.
Identifiers: ClinVar variation 201114 (VCV000201114.2), dbSNP rs794728679, ClinGen allele CA306679.
Genomic context (GRCh38, chr16:15,721,439, plus strand): 5'-GCAGGCGAAACATGGACGAGAAAAACCACCCAGAGCCACTTACGTTCTTGCCCACGTCAT[C>T]CTTGGAGCTGACCAGGTCTTCCATTTCGGCTTTGAGCATTTTGTTGGTCCGCTCGAGTTC-3'
Protein context (NP_002465.1, residues 1511-1531): AEMEDLVSSK[Asp1521Asn]DVGKNVHELE